The following is an entry in ClinVar:

NM_194248.3(OTOF):c.2383C>T (p.Leu795Phe)

Gene: OTOF (otoferlin; minus strand). Cytogenetic location: 2p23.3.
Variant type: single nucleotide variant.
Coding change: c.2383C>T on transcript NM_194248.3 (MANE Select); coding-DNA position 2383, C replaced by T.
Protein change: p.Leu795Phe; replaces leucine 795 with phenylalanine.
Molecular consequence: missense variant.
Genome position (GRCh38, 1-based): chr2:26,477,439, G>A on the plus strand (C>T on the coding strand, the complement: OTOF is on the minus strand). VCF-style: chr2-26477439-G-A. GRCh37 (hg19) VCF-style: chr2-26700307-G-A.
Other names: c.2383C>T, p.Leu795Phe (NM_001287489.2); c.142C>T, p.Leu48Phe (NM_004802.4, NM_194323.3); c.313C>T, p.Leu105Phe (NM_194322.3); short protein forms L48F, L795F, L105F.
Identifiers: ClinVar variation 1469092 (VCV001469092.6), dbSNP rs2148051830, ClinGen allele CA346123123.

ClinVar aggregate classification (germline): Uncertain significance (1 of 4 stars; one submission).

Submission:

Labcorp Genetics (formerly Invitae), Labcorp
Classification: Uncertain significance. Last evaluated: 2023-08-17. Review status: criteria provided, single submitter. Criteria: Invitae Variant Classification Sherloc (09022015). Collection method: clinical testing. Allele origin: germline.
Comment: Advanced modeling of protein sequence and biophysical properties (such as structural, functional, and spatial information, amino acid conservation, physicochemical variation, residue mobility, and thermodynamic stability) performed at Invitae indicates that this missense variant is not expected to disrupt OTOF protein function. In summary, the available evidence is currently insufficient to determine the role of this variant in disease. Therefore, it has been classified as a Variant of Uncertain Significance. This sequence change replaces leucine, which is neutral and non-polar, with phenylalanine, which is neutral and non-polar, at codon 795 of the OTOF protein (p.Leu795Phe). This variant is not present in population databases (gnomAD no frequency). This variant has not been reported in the literature in individuals affected with OTOF-related conditions. ClinVar contains an entry for this variant (Variation ID: 1469092).